The following is an entry in ClinVar:

NM_001354712.2(THRB):c.938T>C (p.Met313Thr)

Gene: THRB (thyroid hormone receptor beta; minus strand). Cytogenetic location: 3p24.2.
Variant type: single nucleotide variant.
Coding change: c.938T>C on transcript NM_001354712.2 (MANE Select); coding-DNA position 938, T replaced by C.
Protein change: p.Met313Thr; replaces methionine 313 with threonine.
Molecular consequence: missense variant.
Genome position (GRCh38, 1-based): chr3:24,127,705, A>G on the plus strand (T>C on the coding strand, the complement: THRB is on the minus strand). VCF-style: chr3-24127705-A-G. GRCh37 (hg19) VCF-style: chr3-24169196-A-G.
Other names: c.938T>C, p.Met313Thr (NM_000461.5, NM_001128176.3, NM_001128177.2 and 6 more transcripts); c.845T>C, p.Met282Thr (NM_001354714.2, NM_001354715.2); short protein forms M313T, M282T.
Identifiers: ClinVar variation 492915 (VCV000492915.5), dbSNP rs1553611083, ClinGen allele CA351888916.
Genomic context (GRCh38, chr3:24,127,705, plus strand): 5'-TCCCCATTCAAGGTTAAAGTCTCACTTTCTGGGTCATAGCGCACAGCAGCGCGAAGGGAC[A>G]TGATCTCCATGCAGCAGCCTTTGAGGAGGATGATCTGGTCTTCACATGGCAGCTGAAAAG-3'
Protein context (NP_001341641.1, residues 303-323): ILLKGCCMEI[Met313Thr]SLRAAVRYDP

ClinVar aggregate classification (germline): Pathogenic. Review status: criteria provided, multiple submitters, no conflicts (2 of 4 stars). 4 submissions from 4 submitters: Pathogenic (3). 1 of the submissions does not count toward it. Last evaluated 2025-08-27.

Conditions:
THRB-related disorder. Also called: THRB-related condition.
Thyroid hormone resistance, generalized, autosomal dominant (GRTHD). Also called: HYPERTHYROXINEMIA, FAMILIAL EUTHYROID, SECONDARY TO PITUITARY AND PERIPHERAL RESISTANCE TO THYROID HORMONES. Identifiers: MedGen C2937288, MONDO:0008569, OMIM 188570.

Allele frequency attached by ClinVar (database versions not stated): gnomAD exomes below 0.00001.

Submissions (4):

PreventionGenetics, part of Exact Sciences
Classification: Pathogenic for THRB-related condition. Last evaluated: 2025-08-27. Review status: criteria provided, single submitter. Criteria: ACMG Guidelines, 2015. Collection method: clinical testing. Allele origin: germline.
Comment: The THRB c.938T>C variant is predicted to result in the amino acid substitution p.Met313Thr. This variant has been reported in the heterozygous state in multiple families with resistance to thyroid hormone, including a de novo event in at least one individual (Kijima et al. 1996. PubMed ID: 8786093; Blair et al. 2002. PubMed ID: 12201835; Pongjantarasatian et al. 2012. PubMed ID: 21795843).). Additionally, functional studies predict this variant to act in a dominant negative manner (Pongjantarasatian et al. 2012. PubMed ID: 21795843). This variant has not been reported in a large population database (gnomAD), indicating this variant is rare. This variant is interpreted as pathogenic.

Women's Health and Genetics/Laboratory Corporation of America, LabCorp
Classification: Pathogenic for Thyroid hormone resistance, generalized, autosomal dominant. Last evaluated: 2025-06-17. Review status: criteria provided, single submitter. Criteria: LabCorp Variant Classification Summary - May 2015. Collection method: clinical testing. Allele origin: germline.
Comment: Variant summary: THRB c.938T>C (p.Met313Thr) results in a non-conservative amino acid change in the encoded protein sequence. Algorithms developed to predict the effect of missense changes on protein structure and function all suggest that this variant is likely to be disruptive. The variant was absent in 251446 control chromosomes (gnomAD). c.938T>C has been observed in multiple individuals affected with Thyroid Hormone Resistance, Generalized, Autosomal Dominant, including one de novo case (Refetoff_1996, Blair_2002, Pongjantarasatian_2012). These data indicate that the variant is very likely to be associated with disease. At least one publication reports experimental evidence evaluating an impact on protein function and this variant affected the THRB protein function (Pongjantarasatian_2012). The following publications have been ascertained in the context of this evaluation (PMID: 12201835, 8786093, 21795843, 9001191). ClinVar contains an entry for this variant (Variation ID: 492915). Based on the evidence outlined above, the variant was classified as pathogenic.

Quest Diagnostics Nichols Institute San Juan Capistrano
Classification: Pathogenic. Last evaluated: 2020-12-21. Review status: criteria provided, single submitter. Criteria: Quest Diagnostics criteria. Collection method: clinical testing. Allele origin: unknown.
Comment: This variant has been reported to cause general resistance to thyroid hormone in individuals and families in the published literature (PMID 8786093 (1996), 9001191 (1996), and 12201835 (2002)). In addition, it has been described in de novo patients and functional studies have indicated T3-dependent transactivation activity is affected by this variant (PMID 9086569 (1997) and 21795843 (2012)). Based on the available information, this variant is classified as pathogenic.

Clinical Molecular Genetics Laboratory, Johns Hopkins All Children's Hospital
Classification: Pathogenic for Thyroid hormone resistance, generalized, autosomal dominant. Last evaluated: 2010-01-27. Review status: no assertion criteria provided. Collection method: clinical testing. Allele origin: germline. Affected: yes. Not counted in ClinVar's aggregate classification.

Literature cited by the submitters: PubMed 21795843 (cited by Women's Health and Genetics/Laboratory Corporation of America, LabCorp and Quest Diagnostics Nichols Institute San Juan Capistrano); PubMed 12201835 (cited by Women's Health and Genetics/Laboratory Corporation of America, LabCorp and Quest Diagnostics Nichols Institute San Juan Capistrano); PubMed 8786093 (cited by Women's Health and Genetics/Laboratory Corporation of America, LabCorp and Quest Diagnostics Nichols Institute San Juan Capistrano); PubMed 9001191 (cited by Women's Health and Genetics/Laboratory Corporation of America, LabCorp and Quest Diagnostics Nichols Institute San Juan Capistrano); PubMed 11704998 (cited by Quest Diagnostics Nichols Institute San Juan Capistrano); PubMed 9086569 (cited by Quest Diagnostics Nichols Institute San Juan Capistrano); PubMed 18363280 (cited by Quest Diagnostics Nichols Institute San Juan Capistrano).